The following is an entry in ClinVar:

ClinVar aggregate classification (germline): Uncertain significance. Review status: criteria provided, multiple submitters, no conflicts (2 of 4 stars). 2 submissions from 2 submitters: Uncertain significance (2). Last evaluated 2026-08-18.

Conditions:
Branchiootorenal syndrome 2 (BOR2). Identifiers: Orphanet 107, MedGen C1970479, MONDO:0012575, OMIM 610896.
SIX5-related disorder. Also called: SIX5-related condition.

Submissions (2):

PreventionGenetics, part of Exact Sciences
Classification: Uncertain significance for SIX5-related condition. Last evaluated: 2026-08-18. Review status: criteria provided, single submitter. Criteria: ACMG Guidelines, 2015. Collection method: clinical testing. Allele origin: germline.
Comment: The SIX5 c.1207C>T variant is predicted to result in the amino acid substitution p.Pro403Ser. To our knowledge, this variant has not been reported in the literature. This variant is reported in 0.0033% of alleles in individuals of Latino descent in gnomAD. At this time, the clinical significance of this variant is uncertain due to the absence of conclusive functional and genetic evidence.

Fulgent Genetics
Classification: Uncertain significance for Branchiootorenal syndrome 2. Last evaluated: 2024-05-17. Review status: criteria provided, single submitter. Criteria: ACMG Guidelines, 2015. Collection method: clinical testing. Allele origin: germline.

NM_175875.5(SIX5):c.1207C>T (p.Pro403Ser)

Gene: SIX5 (SIX homeobox 5; minus strand). Cytogenetic location: 19q13.32.
Variant type: single nucleotide variant.
Coding change: c.1207C>T on transcript NM_175875.5 (MANE Select); coding-DNA position 1207, C replaced by T.
Protein change: p.Pro403Ser; replaces proline 403 with serine.
Molecular consequence: missense variant.
Genome position (GRCh38, 1-based): chr19:45,766,752, G>A on the plus strand (C>T on the coding strand, the complement: SIX5 is on the minus strand). VCF-style: chr19-45766752-G-A. GRCh37 (hg19) VCF-style: chr19-46270010-G-A.
Other names: c.1207C>T (NM_175875.4); short protein forms P403S.
Identifiers: ClinVar variation 3583994 (VCV003583994.2).
Genomic context (GRCh38, chr19:45,766,752, plus strand): 5'-CCAGGACCTCCTCTCCAAGGGCTGGTCCCGGAGCAGCCACCTGGGCCCCTTTGGTCTCAG[G>A]GGCCTCCGACTGAGCCTCCTCCAGCCGCACCTCCCCTGTCTGAGGGTCCAGGACCAGAGA-3'
Protein context (NP_787071.3, residues 393-413): VRLEEAQSEA[Pro403Ser]ETKGAQVAAP